The following is an entry in ClinVar:

NM_018191.4(RCBTB1):c.355G>A (p.Val119Ile)

Gene: RCBTB1 (RCC1 and BTB domain containing protein 1; minus strand). Cytogenetic location: 13q14.2.
Variant type: single nucleotide variant.
Coding change: c.355G>A on transcript NM_018191.4 (MANE Select); coding-DNA position 355, G replaced by A.
Protein change: p.Val119Ile; replaces valine 119 with isoleucine.
Molecular consequence: missense variant. On other transcripts: 5 prime UTR variant (1), non-coding transcript variant (2).
Genome position (GRCh38, 1-based): chr13:49,560,007, C>T on the plus strand (G>A on the coding strand, the complement: RCBTB1 is on the minus strand). VCF-style: chr13-49560007-C-T. GRCh37 (hg19) VCF-style: chr13-50134143-C-T.
Other names: c.355G>A, p.Val119Ile (NM_001352500.2, NM_001352501.2, NM_001352502.2 and 3 more transcripts); c.-255G>A (NM_001352506.2); short protein forms V119I.
Identifiers: ClinVar variation 1421238 (VCV001421238.5), dbSNP rs374135653, ClinGen allele CA6982902.

ClinVar aggregate classification (germline): Uncertain significance (1 of 4 stars; one submission).

Allele frequency attached by ClinVar (database versions not stated): gnomAD 0.00001; TOPMed 0.00003.

Submission:

Labcorp Genetics (formerly Invitae), Labcorp
Classification: Uncertain significance. Last evaluated: 2022-10-25. Review status: criteria provided, single submitter. Criteria: Invitae Variant Classification Sherloc (09022015). Collection method: clinical testing. Allele origin: germline.
Comment: This sequence change replaces valine, which is neutral and non-polar, with isoleucine, which is neutral and non-polar, at codon 119 of the RCBTB1 protein (p.Val119Ile). This variant is present in population databases (rs374135653, gnomAD 0.03%). This variant has not been reported in the literature in individuals affected with RCBTB1-related conditions. ClinVar contains an entry for this variant (Variation ID: 1421238). Advanced modeling of protein sequence and biophysical properties (such as structural, functional, and spatial information, amino acid conservation, physicochemical variation, residue mobility, and thermodynamic stability) performed at Invitae indicates that this missense variant is not expected to disrupt RCBTB1 protein function. In summary, the available evidence is currently insufficient to determine the role of this variant in disease. Therefore, it has been classified as a Variant of Uncertain Significance.